The following is an entry in ClinVar:

ClinVar aggregate classification (germline): Uncertain significance (1 of 4 stars; one submission).

gnomAD v4.1: 1 of 1,613,950 alleles (0.000062%); highest among the groups gnomAD compares: Admixed American, 0.0017%; no homozygotes.

Submission:

Dasa
Classification: Uncertain significance. Last evaluated: 2026-06-17. Review status: criteria provided, single submitter. Criteria: DASA Assertion Criteria. Collection method: clinical testing. Allele origin: germline.
Comment: NM_005273.4(GNB2):c.637G>T (p.Val213Leu) is a missense variant that results in the substitution of valine with leucine. This variant is rare in population databases. The currently available literature and clinical evidence are not sufficient to establish a definitive association between this variant and the reported condition. Therefore, this variant is classified as a variant of uncertain significance.

NM_005273.4(GNB2):c.637G>T (p.Val213Leu)

Gene: GNB2 (G protein subunit beta 2; plus strand). Cytogenetic location: 7q22.1.
Variant type: single nucleotide variant.
Coding change: c.637G>T on transcript NM_005273.4 (MANE Select); coding-DNA position 637, G replaced by T.
Protein change: p.Val213Leu; replaces valine 213 with leucine.
Molecular consequence: missense variant.
Genome position (GRCh38, 1-based): chr7:100,678,237, G>T. VCF-style: chr7-100678237-G-T. GRCh37 (hg19) VCF-style: chr7-100275860-G-T.
Other names: short protein forms V213L.
Identifiers: ClinVar variation 5020353 (VCV005020353.1).